The following is an entry in ClinVar:

NM_007194.4(CHEK2):c.-4C>G

Gene: CHEK2 (checkpoint kinase 2; minus strand). Cytogenetic location: 22q12.1.
Variant type: single nucleotide variant.
Coding change: c.-4C>G on transcript NM_007194.4 (MANE Select); 4 bases upstream of the start codon, C replaced by G.
Molecular consequence: 5 prime UTR variant.
Genome position (GRCh38, 1-based): chr22:28,734,725, G>C on the plus strand (C>G on the coding strand, the complement: CHEK2 is on the minus strand). VCF-style: chr22-28734725-G-C. GRCh37 (hg19) VCF-style: chr22-29130713-G-C.
Other names: c.-4C>G (NM_001005735.3, NM_001349956.3, NM_145862.3); c.-781C>G (NM_001257387.3).
Identifiers: ClinVar variation 2566544 (VCV002566544.2), dbSNP rs374938148, ClinGen allele CA2580615283.

ClinVar aggregate classification (germline): Uncertain significance (1 of 4 stars; one submission).

Conditions:
Hereditary cancer-predisposing syndrome. Also called: Neoplastic Syndromes, Hereditary; Hereditary Cancer Syndrome; Hereditary neoplastic syndrome; Tumor predisposition. Identifiers: Orphanet 140162, MedGen C0027672, MeSH D009386, MONDO:0015356.

Submission:

Ambry Genetics
Classification: Uncertain significance for Hereditary cancer-predisposing syndrome. Last evaluated: 2023-05-22. Review status: criteria provided, single submitter. Criteria: Ambry Variant Classification Scheme 2023. Collection method: clinical testing. Allele origin: germline.
Comment: The c.-4C>G variant is located in the 5' untranslated region (5&rsquo; UTR) of the CHEK2 gene. This variant results from a C to G substitution 4 bases upstream from the first translated codon. This nucleotide position is not well conserved in available vertebrate species. Since supporting evidence is limited at this time, the clinical significance of this alteration remains unclear.